The following is an entry in ClinVar:

NM_000540.3(RYR1):c.14860G>A (p.Asp4954Asn)

Gene: RYR1 (ryanodine receptor 1; plus strand). Cytogenetic location: 19q13.2.
Variant type: single nucleotide variant.
Coding change: c.14860G>A on transcript NM_000540.3 (MANE Select); coding-DNA position 14860, G replaced by A.
Protein change: p.Asp4954Asn; replaces aspartic acid 4954 with asparagine.
Molecular consequence: missense variant.
Genome position (GRCh38, 1-based): chr19:38,585,994, G>A. VCF-style: chr19-38585994-G-A. GRCh37 (hg19) VCF-style: chr19-39076634-G-A.
Other names: c.14845G>A, p.Asp4949Asn (NM_001042723.2); short protein forms D4949N, D4954N.
Identifiers: ClinVar variation 3385635 (VCV003385635.1).

ClinVar aggregate classification (germline): Uncertain significance (1 of 4 stars; one submission).

Conditions:
Malignant hyperthermia, susceptibility to, 1 (MHS1). Also called: Anesthesia related hyperthermia; Malignant hyperpyrexia; Fulminating hyperpyrexia; Pharmacogenic myopathy; Malignant hyperthermia suceptibility 1; RYR1-Related Malignant Hyperthermia Susceptibility. Identifiers: Orphanet 423, MedGen C2930980, MONDO:0007783, OMIM 145600.

gnomAD v4.1: 1 of 1,614,110 alleles (0.000062%); highest among the groups gnomAD compares: Non-Finnish European, 0.000085%; no homozygotes.

Submission:

All of Us Research Program, National Institutes of Health
Classification: Uncertain significance for Malignant hyperthermia, susceptibility to, 1. Last evaluated: 2024-08-06. Review status: criteria provided, single submitter. Criteria: ACMG Guidelines, 2015. Collection method: clinical testing. Allele origin: germline. Inheritance: Autosomal dominant inheritance. Observed: 1 variant allele, 1 heterozygote.
Comment: This study involves interpretation of variants in research participants for the purpose of population health screening. Participant phenotype was not available at the time of variant classification. Additional details can be found in publication PMID: 35346344, PMCID: PMC8962531